The following is an entry in ClinVar:

NM_003680.4(YARS1):c.909T>C (p.Val303=)

Gene: YARS1 (tyrosyl-tRNA synthetase 1; minus strand). Cytogenetic location: 1p35.1.
Variant type: single nucleotide variant.
Coding change: c.909T>C on transcript NM_003680.4 (MANE Select); coding-DNA position 909, T replaced by C.
Protein change: p.Val303=; no amino-acid change (valine 303 retained).
Molecular consequence: synonymous variant.
Genome position (GRCh38, 1-based): chr1:32,782,537, A>G on the plus strand (T>C on the coding strand, the complement: YARS1 is on the minus strand). VCF-style: chr1-32782537-A-G. GRCh37 (hg19) VCF-style: chr1-33248138-A-G.
Identifiers: ClinVar variation 2570719 (VCV002570719.29), dbSNP rs1557447433, ClinGen allele CA417065949.

ClinVar aggregate classification (germline): Likely benign. Review status: criteria provided, multiple submitters, no conflicts (2 of 4 stars). 2 submissions from 2 submitters: Likely benign (2). Last evaluated 2024-04-17.

Conditions:
Charcot-Marie-Tooth disease dominant intermediate C (CMTDIC). Also called: CHARCOT-MARIE-TOOTH NEUROPATHY, DOMINANT INTERMEDIATE C. Identifiers: Orphanet 100045, MedGen C1842237, MONDO:0012012, OMIM 608323.

Allele frequency attached by ClinVar (database versions not stated): TOPMed below 0.00001; gnomAD exomes 0.00001.
gnomAD v4.1: 9 of 1,614,180 alleles (0.00056%); highest among the groups gnomAD compares: Non-Finnish European, 0.00076%; no homozygotes.

Submissions (2):

Labcorp Genetics (formerly Invitae), Labcorp
Classification: Likely benign for Charcot-Marie-Tooth disease dominant intermediate C. Last evaluated: 2024-04-17. Review status: criteria provided, single submitter. Criteria: Invitae Variant Classification Sherloc (09022015). Collection method: clinical testing. Allele origin: germline.

CeGaT Center for Human Genetics Tuebingen
Classification: Likely benign. Last evaluated: 2023-05-01. Review status: criteria provided, single submitter. Criteria: CeGaT Center For Human Genetics Tuebingen Variant Classification Criteria Version 2. Collection method: clinical testing. Allele origin: germline. Affected: yes. Observed: 1 variant allele.
Comment: YARS1: BP4, BP7